The following is an entry in ClinVar:

ClinVar aggregate classification (germline): Uncertain significance (1 of 4 stars; one submission).

Conditions:
Nephronophthisis 15 (NPHP15). Identifiers: Orphanet 3156, MedGen C3541853, MONDO:0013917, OMIM 614845.

Submission:

Labcorp Genetics (formerly Invitae), Labcorp
Classification: Uncertain significance for Nephronophthisis 15. Last evaluated: 2022-10-13. Review status: criteria provided, single submitter. Criteria: Invitae Variant Classification Sherloc (09022015). Collection method: clinical testing. Allele origin: germline.
Comment: In summary, the available evidence is currently insufficient to determine the role of this variant in disease. Therefore, it has been classified as a Variant of Uncertain Significance. Variants that disrupt the consensus splice site are a relatively common cause of aberrant splicing (PMID: 17576681, 9536098). Algorithms developed to predict the effect of sequence changes on RNA splicing suggest that this variant may disrupt the consensus splice site. Algorithms developed to predict the effect of missense changes on protein structure and function are either unavailable or do not agree on the potential impact of this missense change (SIFT: "Deleterious"; PolyPhen-2: "Probably Damaging"; Align-GVGD: "Class C15"). ClinVar contains an entry for this variant (Variation ID: 963177). This variant has not been reported in the literature in individuals affected with CEP164-related conditions. This variant is not present in population databases (gnomAD no frequency). This sequence change replaces glutamine, which is neutral and polar, with histidine, which is basic and polar, at codon 229 of the CEP164 protein (p.Gln229His). This variant also falls at the last nucleotide of exon 7, which is part of the consensus splice site for this exon.

Literature cited by the submitters: PubMed 17576681; PubMed 9536098.

NM_014956.5(CEP164):c.687G>C (p.Gln229His)

Gene: CEP164 (centrosomal protein 164; plus strand). Cytogenetic location: 11q23.3.
Variant type: single nucleotide variant.
Coding change: c.687G>C on transcript NM_014956.5 (MANE Select); coding-DNA position 687, G replaced by C.
Protein change: p.Gln229His; replaces glutamine 229 with histidine.
Molecular consequence: missense variant.
Genome position (GRCh38, 1-based): chr11:117,362,538, G>C. VCF-style: chr11-117362538-G-C. GRCh37 (hg19) VCF-style: chr11-117233254-G-C.
Other names: c.687G>C, p.Gln229His (NM_001271933.2); short protein forms Q229H.
Identifiers: ClinVar variation 963177 (VCV000963177.9), dbSNP rs2041112988, ClinGen allele CA382732666.